The following is an entry in ClinVar:

NM_000059.4(BRCA2):c.3337G>C (p.Glu1113Gln)

Gene: BRCA2 (BRCA2 DNA repair associated; plus strand). Cytogenetic location: 13q13.1.
Variant type: single nucleotide variant.
Coding change: c.3337G>C on transcript NM_000059.4 (MANE Select); coding-DNA position 3337, G replaced by C.
Protein change: p.Glu1113Gln; replaces glutamic acid 1113 with glutamine.
Molecular consequence: missense variant.
Genome position (GRCh38, 1-based): chr13:32,337,692, G>C. VCF-style: chr13-32337692-G-C. GRCh37 (hg19) VCF-style: chr13-32911829-G-C.
Other names: c.3337G>C, p.Glu1113Gln (NM_001406719.1, NM_001406720.1); short protein forms E1113Q.
Identifiers: ClinVar variation 1730365 (VCV001730365.4), dbSNP rs1482364471, ClinGen allele CA387776296.

ClinVar aggregate classification (germline): Conflicting classifications of pathogenicity. Review status: criteria provided, conflicting classifications (1 of 4 stars). 2 submissions from 2 submitters: Uncertain significance (1); Likely benign (1). Last evaluated 2023-03-23.

Conditions:
Hereditary cancer-predisposing syndrome. Also called: Neoplastic Syndromes, Hereditary; Tumor predisposition; Hereditary Cancer Syndrome; Hereditary neoplastic syndrome. Identifiers: Orphanet 140162, MedGen C0027672, MeSH D009386, MONDO:0015356.

Submissions (2):

University of Washington Department of Laboratory Medicine, University of Washington
Classification: Likely benign for Hereditary cancer-predisposing syndrome. Last evaluated: 2023-03-23. Review status: criteria provided, single submitter. Criteria: Dines et al. (Genet Med. 2020). Collection method: curation. Allele origin: germline.
Comment: Missense variant in a coldspot region where missense variants are very unlikely to be pathogenic (PMID:31911673).

BRCA2 exon 11 coldspot. Reclassification based on statistical prior probability.

Ambry Genetics
Classification: Uncertain significance for Hereditary cancer-predisposing syndrome. Last evaluated: 2016-02-12. Review status: criteria provided, single submitter. Criteria: Ambry Variant Classification Scheme 2023. Collection method: clinical testing. Allele origin: germline.
Comment: The p.E1113Q variant (also known as c.3337G>C), located in coding exon 10 of the BRCA2 gene, results from a G to C substitution at nucleotide position 3337. The glutamic acid at codon 1113 is replaced by glutamine, an amino acid with highly similar properties. This variant was not reported in population based cohorts in the following databases: Database of Single Nucleotide Polymorphisms (dbSNP), NHLBI Exome Sequencing Project (ESP), and 1000 Genomes Project. In the ESP, this variant was not observed in 6496 samples (12992 alleles) with coverage at this position. To date, this alteration has been detected with an allele frequency of approximately 0.0004% (greater than 225000 alleles tested) in our clinical cohort. This amino acid position is highly conserved in available vertebrate species. In addition, the in silico prediction for this alteration is inconclusive. Since supporting evidence is limited at this time, the clinical significance of this alteration remains unclear.